The following is an entry in ClinVar:

g.96677_99386del2710

Variant type: Deletion.
Identifiers: ClinVar variation 41403 (VCV000041403.3).

ClinVar aggregate classification (germline): Pathogenic (0 of 4 stars; one submission).

Conditions:
Hereditary spastic paraplegia 11. Also called: SPASTIC PARAPLEGIA, AUTOSOMAL RECESSIVE, COMPLICATED, WITH THIN CORPUS CALLOSUM; SPASTIC PARAPLEGIA, AUTOSOMAL RECESSIVE, WITH MENTAL IMPAIRMENT AND THIN CORPUS CALLOSUM; Spastic paraplegia, mental retardation and thin corpus callosum; Spastic Paraplegia 11; Nakamura Osame syndrome; Autosomal recessive hereditary spastic paraplegia, mental impairment, and thin corpus callosum. Identifiers: Orphanet 2822, MedGen C1858479, MONDO:0011445, OMIM 604360.

Submission:

GeneReviews
Classification: Pathogenic for Spastic Paraplegia 11. Last evaluated: 2013-01-31. Review status: no assertion criteria provided. Collection method: curation. Allele origin: unknown.
ClinVar note: Converted during submission from pathologic to Pathogenic.